The following is an entry in ClinVar:

NM_004656.4(BAP1):c.2057-4G>A

Gene: BAP1 (BRCA1 associated deubiquitinase 1; minus strand). Cytogenetic location: 3p21.1.
Variant type: single nucleotide variant.
Coding change: c.2057-4G>A on transcript NM_004656.4 (MANE Select); 4 bases into the intron before coding-DNA position 2057, G replaced by A.
Molecular consequence: intron variant.
Genome position (GRCh38, 1-based): chr3:52,402,425, C>T on the plus strand (G>A on the coding strand, the complement: BAP1 is on the minus strand). VCF-style: chr3-52402425-C-T. GRCh37 (hg19) VCF-style: chr3-52436441-C-T.
Identifiers: ClinVar variation 820615 (VCV000820615.15), dbSNP rs149499021, ClinGen allele CA2436597.

ClinVar aggregate classification (germline): Conflicting classifications of pathogenicity. Review status: criteria provided, conflicting classifications (1 of 4 stars). 4 submissions from 4 submitters: Uncertain significance (1); Likely benign (3). Last evaluated 2025-11-13.

Conditions:
Hereditary cancer-predisposing syndrome. Also called: Neoplastic Syndromes, Hereditary; Tumor predisposition; Hereditary Cancer Syndrome; Hereditary neoplastic syndrome. Identifiers: Orphanet 140162, MedGen C0027672, MeSH D009386, MONDO:0015356.
BAP1-related tumor predisposition syndrome (TPDS1). Also called: Tumor susceptibility linked to germline BAP1 mutations; BAP1 tumor predisposition syndrome; COMMON Syndrome; TUMOR PREDISPOSITION SYNDROME 1. Identifiers: Orphanet 289539, MedGen C3280492, MONDO:0013692, OMIM 614327.

Allele frequency attached by ClinVar (database versions not stated): TOPMed 0.00001.
gnomAD v4.1: 23 of 1,567,064 alleles (0.0015%); highest among the groups gnomAD compares: Non-Finnish European, 0.0017%; no homozygotes.

Submissions (4):

Labcorp Genetics (formerly Invitae), Labcorp
Classification: Likely benign for BAP1-related tumor predisposition syndrome. Last evaluated: 2025-11-13. Review status: criteria provided, single submitter. Criteria: Invitae Variant Classification Sherloc (09022015). Collection method: clinical testing. Allele origin: germline.

Ambry Genetics
Classification: Likely benign for Hereditary cancer-predisposing syndrome. Last evaluated: 2025-01-17. Review status: criteria provided, single submitter. Criteria: Ambry Variant Classification Scheme 2023. Collection method: clinical testing. Allele origin: germline.

Myriad Genetics, Inc.
Classification: Likely benign for BAP1-related tumor predisposition syndrome. Last evaluated: 2024-07-17. Review status: criteria provided, single submitter. Criteria: Myriad Autosomal Dominant, Autosomal Recessive and X-Linked Classification Criteria (2023). Collection method: clinical testing. Allele origin: unknown.
Comment: This variant is considered likely benign. This variant is intronic and is not expected to impact mRNA splicing.

Color Diagnostics, LLC DBA Color Health
Classification: Uncertain significance for Hereditary cancer-predisposing syndrome. Last evaluated: 2021-09-14. Review status: criteria provided, single submitter. Criteria: ACMG Guidelines, 2015. Collection method: clinical testing. Allele origin: germline.
Comment: This variant causes a G to A nucleotide substitution at the -4 position of intron 16 of the BAP1 gene. To our knowledge, RNA studies have not been reported for this variant. This variant has not been reported in individuals affected with hereditary cancer in the literature. This variant has been identified in 2/176894 chromosomes in the general population by the Genome Aggregation Database (gnomAD). The available evidence is insufficient to determine the role of this variant in disease conclusively. Therefore, this variant is classified as a Variant of Uncertain Significance.